The following is an entry in ClinVar:

ClinVar aggregate classification (germline): Likely benign. Review status: criteria provided, multiple submitters, no conflicts (2 of 4 stars). 3 submissions from 3 submitters: Likely benign (3). Last evaluated 2026-03-01.

Allele frequency attached by ClinVar (database versions not stated): ExAC 0.00001; gnomAD 0.00001; gnomAD exomes 0.00001 and 0.00003; TOPMed 0.00001; ESP Exome Variant Server 0.00008.
gnomAD v4.1: 50 of 1,614,074 alleles (0.0031%); highest among the groups gnomAD compares: Non-Finnish European, 0.0041%; 1 homozygote.

Submissions (3):

CeGaT Center for Human Genetics Tuebingen
Classification: Likely benign. Last evaluated: 2026-03-01. Review status: criteria provided, single submitter. Criteria: CeGaT Center For Human Genetics Tuebingen Variant Classification Criteria Version 2. Collection method: clinical testing. Allele origin: germline. Affected: yes. Observed: 1 variant allele.
Comment: ACO2: BP4

Labcorp Genetics (formerly Invitae), Labcorp
Classification: Likely benign. Last evaluated: 2022-08-28. Review status: criteria provided, single submitter. Criteria: Invitae Variant Classification Sherloc (09022015). Collection method: clinical testing. Allele origin: germline.

Blueprint Genetics
Classification: Likely benign. Last evaluated: 2022-03-21. Review status: criteria provided, single submitter. Criteria: ACMG Guidelines, 2015. Collection method: clinical testing. Allele origin: germline.

NM_001098.3(ACO2):c.1974G>T (p.Val658=)

Genes: ACO2 (aconitase 2; plus strand), POLR3H (RNA polymerase III subunit H; minus strand). Cytogenetic location: 22q13.2.
Variant type: single nucleotide variant.
Coding change: c.1974G>T on transcript NM_001098.3 (MANE Select); coding-DNA position 1974, G replaced by T.
Protein change: p.Val658=; no amino-acid change (valine 658 retained).
Molecular consequence: synonymous variant. On other transcripts: 3 prime UTR variant (5).
Genome position (GRCh38, 1-based): chr22:41,527,308, G>T. VCF-style: chr22-41527308-G-T. GRCh37 (hg19) VCF-style: chr22-41923312-G-T.
Other names: c.*1975C>A (NM_001018050.4, NM_001018052.4, NM_001282884.2 and 2 more transcripts).
Identifiers: ClinVar variation 720854 (VCV000720854.13), dbSNP rs370388576, ClinGen allele CA10257848.